The following is an entry in ClinVar:

NM_001401501.2(MUC16):c.39654C>T (p.Val13218=)

Gene: MUC16 (mucin 16, cell surface associated; minus strand). Cytogenetic location: 19p13.2.
Variant type: single nucleotide variant.
Coding change: c.39654C>T on transcript NM_001401501.2 (MANE Select); coding-DNA position 39654, C replaced by T.
Protein change: p.Val13218=; no amino-acid change (valine 13218 retained).
Molecular consequence: synonymous variant.
Genome position (GRCh38, 1-based): chr19:8,896,824, G>A on the plus strand (C>T on the coding strand, the complement: MUC16 is on the minus strand). VCF-style: chr19-8896824-G-A. GRCh37 (hg19) VCF-style: chr19-9007500-G-A.
Other names: c.40080C>T, p.Val13360= (NM_001414686.1); c.39534C>T, p.Val13178= (NM_001414687.1); c.39468C>T, p.Val13156= (NM_024690.2).
Identifiers: ClinVar variation 2649222 (VCV002649222.24), dbSNP rs372053612, ClinGen allele CA9164017.

ClinVar aggregate classification (germline): Likely benign (1 of 4 stars; one submission).

Allele frequency attached by ClinVar (database versions not stated): TOPMed 0.00021; gnomAD 0.00022; ESP Exome Variant Server 0.00025; ExAC 0.00026; gnomAD exomes 0.00049.

Submission:

CeGaT Center for Human Genetics Tuebingen
Classification: Likely benign. Last evaluated: 2022-09-01. Review status: criteria provided, single submitter. Criteria: CeGaT Center For Human Genetics Tuebingen Variant Classification Criteria Version 2. Collection method: clinical testing. Allele origin: germline. Affected: yes. Observed: 1 variant allele.
Comment: MUC16: BP4, BP7